The following is an entry in ClinVar:

ClinVar aggregate classification (germline): Pathogenic (1 of 4 stars; one submission).

Conditions:
Early-infantile DEE. Also called: Ohtahara syndrome; Early infantile epileptic encephalopathy; Early infantile epileptic encephalopathy with suppression bursts. Identifiers: Orphanet 1934, MedGen C0393706, MONDO:0800491.

Submission:

Labcorp Genetics (formerly Invitae), Labcorp
Classification: Pathogenic for Early-infantile DEE. Last evaluated: 2022-05-14. Review status: criteria provided, single submitter. Criteria: Invitae Variant Classification Sherloc (09022015). Collection method: clinical testing. Allele origin: germline.
Comment: For these reasons, this variant has been classified as Pathogenic. This variant has not been reported in the literature in individuals affected with SCN1A-related conditions. This variant is not present in population databases (gnomAD no frequency). This sequence change creates a premature translational stop signal (p.Lys97Ilefs*22) in the SCN1A gene. It is expected to result in an absent or disrupted protein product. Loss-of-function variants in SCN1A are known to be pathogenic (PMID: 17347258, 18930999).

Literature cited by the submitters: PubMed 17347258; PubMed 18930999.

NM_001165963.4(SCN1A):c.289_290insT (p.Lys97fs)

Gene: SCN1A (sodium voltage-gated channel alpha subunit 1; minus strand). Cytogenetic location: 2q24.3.
Variant type: Insertion.
Coding change: c.289_290insT on transcript NM_001165963.4 (MANE Select); coding-DNA positions 289 to 290, T inserted.
Protein change: p.Lys97fs; shifts the reading frame from lysine 97.
Molecular consequence: frameshift variant. On other transcripts: 5 prime UTR variant (1), non-coding transcript variant (1).
Genome position: GRCh38 VCF-style: chr2-166058663-T-TA. GRCh37 (hg19) VCF-style: chr2-166915173-T-TA.
Other names: c.289_290insT, p.Lys97fs (NM_001165964.3, NM_001202435.3, NM_001353948.2 and 10 more transcripts); c.-2137_-2136insT (NM_001353961.2); short protein forms K97fs.
Identifiers: ClinVar variation 1994405 (VCV001994405.4), dbSNP rs2468273005, ClinGen allele CA2580064343.